The following is an entry in ClinVar:

ClinVar aggregate classification (germline): Likely pathogenic (1 of 4 stars; one submission).

Conditions:
Hereditary spastic paraplegia 3A (SPG3A). Also called: SPASTIC PARAPLEGIA 3, AUTOSOMAL DOMINANT; FAMILIAL SPASTIC PARAPLEGIA, AUTOSOMAL DOMINANT, 1; SPG3; STRUMPELL DISEASE; Spastic Paraplegia 3A; Spastic paraplegia 3A, autosomal dominant. Identifiers: Orphanet 100984, MedGen C2931355, MONDO:0008437, OMIM 182600.

Submission:

Labcorp Genetics (formerly Invitae), Labcorp
Classification: Likely pathogenic for Spastic paraplegia 3. Last evaluated: 2018-05-01. Review status: criteria provided, single submitter. Criteria: Invitae Variant Classification Sherloc (09022015). Collection method: clinical testing. Allele origin: germline.
Comment: This sequence change replaces arginine with serine at codon 198 of the ATL1 protein (p.Arg198Ser). The arginine residue is highly conserved and there is a moderate physicochemical difference between arginine and serine. This variant is not present in population databases (ExAC no frequency). This variant has been reported to be de novo in an individual affected with hereditary spastic paraplegia (Invitae). Algorithms developed to predict the effect of missense changes on protein structure and function (SIFT, PolyPhen-2, Align-GVGD) all suggest that this variant is likely to be disruptive, but these predictions have not been confirmed by published functional studies and their clinical significance is uncertain. In summary, the currently available evidence indicates that the variant is pathogenic, but additional data are needed to prove that conclusively. Therefore, this variant has been classified as Likely Pathogenic.

NM_015915.5(ATL1):c.594A>C (p.Arg198Ser)

Gene: ATL1 (atlastin GTPase 1; plus strand). Cytogenetic location: 14q22.1.
Variant type: single nucleotide variant.
Coding change: c.594A>C on transcript NM_015915.5 (MANE Select); coding-DNA position 594, A replaced by C.
Protein change: p.Arg198Ser; replaces arginine 198 with serine.
Molecular consequence: missense variant.
Genome position (GRCh38, 1-based): chr14:50,595,596, A>C. VCF-style: chr14-50595596-A-C. GRCh37 (hg19) VCF-style: chr14-51062314-A-C.
Other names: c.594A>C, p.Arg198Ser (NM_001127713.1, NM_181598.4); short protein forms R198S.
Identifiers: ClinVar variation 471250 (VCV000471250.1), dbSNP rs1555364247, ClinGen allele CA389668888.